The following is an entry in ClinVar:

ClinVar aggregate classification (germline): Uncertain significance (1 of 4 stars; one submission).

Conditions:
Cardiovascular phenotype. Identifiers: MedGen CN230736.

Allele frequency attached by ClinVar (database versions not stated): gnomAD 0.00001.
gnomAD v4.1: 1 of 1,614,014 alleles (0.000062%); highest among the groups gnomAD compares: Non-Finnish European, 0.000085%; no homozygotes.

Submission:

Ambry Genetics
Classification: Uncertain significance for Cardiovascular phenotype. Last evaluated: 2026-07-24. Review status: criteria provided, single submitter. Criteria: Ambry Variant Classification Scheme 2023. Collection method: clinical testing. Allele origin: germline.
Comment: The c.2549-3A>G intronic variant results from an A to G substitution 3 nucleotides upstream from coding exon 24 in the ANK2 gene. This nucleotide position is not well conserved in available vertebrate species. In silico splice site analysis predicts that this alteration will not have any significant effect on splicing. Based on the available evidence, the clinical significance of this variant remains unclear.

NM_001148.6(ANK2):c.2549-3A>G

Gene: ANK2 (ankyrin 2; plus strand). Cytogenetic location: 4q26.
Variant type: single nucleotide variant.
Coding change: c.2549-3A>G on transcript NM_001148.6 (MANE Select); 3 bases into the intron before coding-DNA position 2549, A replaced by G.
Molecular consequence: intron variant.
Genome position (GRCh38, 1-based): chr4:113,311,252, A>G. VCF-style: chr4-113311252-A-G. GRCh37 (hg19) VCF-style: chr4-114232408-A-G.
Other names: c.2486-3A>G (NM_001354244.2, NM_001354256.2, NM_001127493.3 and 10 more transcripts); c.2387-3A>G (NM_001354253.2, NM_001354270.2, NM_001354257.2 and 1 more transcripts); c.2462-3A>G (NM_001354249.2, NM_001354266.2, NM_001354276.2 and 10 more transcripts); c.2363-3A>G (NM_001386151.1, NM_001354260.2, NM_001354271.2); c.2264-3A>G (NM_001386157.1, NM_001354277.2); c.2507-3A>G (NM_001354261.2, NM_001386147.1, NM_001386160.1); c.2165-3A>G (NM_001386158.1); c.2594-3A>G (NM_001354241.2, NM_001386152.1, NM_001354237.2 and 5 more transcripts); and 9 more.
Identifiers: ClinVar variation 1792908 (VCV001792908.3), dbSNP rs1180871054, ClinGen allele CA554063804.
Genomic context (GRCh38, chr4:113,311,252, plus strand): 5'-CATATGTTGTAGTTGATATTACATTCAAGAAATAATCCTGCTTCTTCCTCTGATTGTTTC[A>G]AGGTGATGACACAATGACTGGTGATGGGGGAGAATACCTTAGGCCTGAGGACCTAAAAGA-3'